The following is an entry in ClinVar:

ClinVar aggregate classification (germline): Uncertain significance. Review status: criteria provided, multiple submitters, no conflicts (2 of 4 stars). 2 submissions from 2 submitters: Uncertain significance (2). Last evaluated 2025-04-14.

Conditions:
Inborn genetic diseases. Identifiers: MedGen C0950123, MeSH D030342.
CSDE1-related disorder. Also called: CSDE1-related condition.

Allele frequency attached by ClinVar (database versions not stated): gnomAD exomes 0.00001; TOPMed 0.00001; gnomAD 0.00002.
gnomAD v4.1: 11 of 1,612,454 alleles (0.00068%); highest among the groups gnomAD compares: Middle Eastern, 0.016%; no homozygotes.

Submissions (2):

Ambry Genetics
Classification: Uncertain significance for Inborn genetic diseases. Last evaluated: 2025-04-14. Review status: criteria provided, single submitter. Criteria: Ambry Variant Classification Scheme 2023. Collection method: clinical testing. Allele origin: germline.

PreventionGenetics, part of Exact Sciences
Classification: Uncertain significance for CSDE1-related condition. Last evaluated: 2023-10-04. Review status: criteria provided, single submitter. Criteria: ACMG Guidelines, 2015. Collection method: clinical testing. Allele origin: germline.
Comment: The CSDE1 c.533G>A variant is predicted to result in the amino acid substitution p.Arg178His. To our knowledge, this variant has not been reported in the literature. This variant is reported in 0.0065% of alleles in individuals of European (Non-Finnish) descent in gnomAD. At this time, the clinical significance of this variant is uncertain due to the absence of conclusive functional and genetic evidence.

NM_001007553.3(CSDE1):c.395G>A (p.Arg132His)

Gene: CSDE1 (cold shock domain containing E1; minus strand). Cytogenetic location: 1p13.2.
Variant type: single nucleotide variant.
Coding change: c.395G>A on transcript NM_001007553.3 (MANE Select); coding-DNA position 395, G replaced by A.
Protein change: p.Arg132His; replaces arginine 132 with histidine.
Molecular consequence: missense variant. On other transcripts: intron variant (3).
Genome position (GRCh38, 1-based): chr1:114,737,478, C>T on the plus strand (G>A on the coding strand, the complement: CSDE1 is on the minus strand). VCF-style: chr1-114737478-C-T. GRCh37 (hg19) VCF-style: chr1-115280099-C-T.
Other names: c.533G>A, p.Arg178His (NM_001242891.2); c.395G>A, p.Arg132His (NM_001242892.2); c.309+485G>A (NM_001242893.2, NM_007158.6); c.447+485G>A (NM_001130523.3); short protein forms R132H, R178H.
Identifiers: ClinVar variation 2632040 (VCV002632040.2), dbSNP rs1039006812, ClinGen allele CA29063804.